The following is an entry in ClinVar:

ClinVar aggregate classification (germline): Uncertain significance (1 of 4 stars; one submission).

Submission:

Labcorp Genetics (formerly Invitae), Labcorp
Classification: Uncertain significance. Last evaluated: 2024-06-03. Review status: criteria provided, single submitter. Criteria: Invitae Variant Classification Sherloc (09022015). Collection method: clinical testing. Allele origin: germline.
Comment: This sequence change falls in intron 45 of the COL2A1 gene. It does not directly change the encoded amino acid sequence of the COL2A1 protein. It affects a nucleotide within the consensus splice site. This variant is not present in population databases (gnomAD no frequency). This variant has not been reported in the literature in individuals affected with COL2A1-related conditions. ClinVar contains an entry for this variant (Variation ID: 2033897). Variants that disrupt the consensus splice site are a relatively common cause of aberrant splicing (PMID: 17576681, 9536098). Algorithms developed to predict the effect of sequence changes on RNA splicing suggest that this variant is not likely to affect RNA splicing. In summary, the available evidence is currently insufficient to determine the role of this variant in disease. Therefore, it has been classified as a Variant of Uncertain Significance.

Literature cited by the submitters: PubMed 17576681; PubMed 9536098.

NM_001844.5(COL2A1):c.3165+3G>A

Gene: COL2A1 (collagen type II alpha 1 chain; minus strand). Cytogenetic location: 12q13.11.
Variant type: single nucleotide variant.
Coding change: c.3165+3G>A on transcript NM_001844.5 (MANE Select); 3 bases into the intron after coding-DNA position 3165, G replaced by A.
Molecular consequence: intron variant.
Genome position (GRCh38, 1-based): chr12:47,977,597, C>T on the plus strand (G>A on the coding strand, the complement: COL2A1 is on the minus strand). VCF-style: chr12-47977597-C-T. GRCh37 (hg19) VCF-style: chr12-48371380-C-T.
Other names: c.2958+3G>A (NM_033150.3).
Identifiers: ClinVar variation 2033897 (VCV002033897.4), dbSNP rs2540108503, ClinGen allele CA2580085498.